The following is an entry in ClinVar:

NM_024580.6(EFL1):c.104T>C (p.Leu35Pro)

Gene: EFL1 (elongation factor like GTPase 1; minus strand). Cytogenetic location: 15q25.2.
Variant type: single nucleotide variant.
Coding change: c.104T>C on transcript NM_024580.6 (MANE Select); coding-DNA position 104, T replaced by C.
Protein change: p.Leu35Pro; replaces leucine 35 with proline.
Molecular consequence: missense variant. On other transcripts: 5 prime UTR variant (1), non-coding transcript variant (1), intron variant (1).
Genome position (GRCh38, 1-based): chr15:82,259,143, A>G on the plus strand (T>C on the coding strand, the complement: EFL1 is on the minus strand). VCF-style: chr15-82259143-A-G. GRCh37 (hg19) VCF-style: chr15-82551484-A-G.
Other names: c.-601T>C (NM_001322844.2); c.104T>C, p.Leu35Pro (NM_001322845.2); c.91+2545T>C (NM_001040610.3); short protein forms L35P.
Identifiers: ClinVar variation 1509595 (VCV001509595.8), dbSNP rs2075091380, ClinGen allele CA393285904.

ClinVar aggregate classification (germline): Uncertain significance (1 of 4 stars; one submission).

Allele frequency attached by ClinVar (database versions not stated): TOPMed below 0.00001.

Submission:

Labcorp Genetics (formerly Invitae), Labcorp
Classification: Uncertain significance. Last evaluated: 2022-10-13. Review status: criteria provided, single submitter. Criteria: Invitae Variant Classification Sherloc (09022015). Collection method: clinical testing. Allele origin: germline.
Comment: ClinVar contains an entry for this variant (Variation ID: 1509595). In summary, the available evidence is currently insufficient to determine the role of this variant in disease. Therefore, it has been classified as a Variant of Uncertain Significance. Advanced modeling of protein sequence and biophysical properties (such as structural, functional, and spatial information, amino acid conservation, physicochemical variation, residue mobility, and thermodynamic stability) performed at Invitae indicates that this missense variant is expected to disrupt EFL1 protein function. This variant has not been reported in the literature in individuals affected with EFL1-related conditions. This variant is not present in population databases (gnomAD no frequency). This sequence change replaces leucine, which is neutral and non-polar, with proline, which is neutral and non-polar, at codon 35 of the EFL1 protein (p.Leu35Pro).